The following is an entry in ClinVar:

NM_000256.3(MYBPC3):c.313del (p.Ala105fs)

Gene: MYBPC3 (myosin binding protein C3; minus strand). Cytogenetic location: 11p11.2.
Variant type: Deletion.
Coding change: c.313del on transcript NM_000256.3 (MANE Select); coding-DNA position 313, one base deleted (G; older notation c.313delG).
Protein change: p.Ala105fs; shifts the reading frame from alanine 105.
Molecular consequence: frameshift variant.
Genome position (GRCh38, 1-based): chr11:47,350,595, C deleted on the plus strand (G on the coding strand, the reverse complement: MYBPC3 is on the minus strand); the first of 2 consecutive C bases (chr11:47,350,595-47,350,596); deleting either gives the same sequence. VCF-style (leftmost placement, unchanged base first): chr11-47350594-GC-G. GRCh37 (hg19) VCF-style: chr11-47372145-GC-G.
Other names: c.313del, p.Ala105fs (LRG_386t1); short protein forms A105fs.
Identifiers: ClinVar variation 619248 (VCV000619248.8), dbSNP rs1565631424, ClinGen allele CA913190263.

ClinVar aggregate classification (germline): Pathogenic. Review status: criteria provided, multiple submitters, no conflicts (2 of 4 stars). 4 submissions from 4 submitters: Pathogenic (2). 2 of the submissions do not count toward it. Last evaluated 2023-01-28.

Conditions:
Hypertrophic cardiomyopathy. Also called: HYPERTROPHIC MYOCARDIOPATHY. Identifiers: Orphanet 217569, MedGen C0007194, MeSH D002312, MONDO:0005045, HP:0001639.

Submissions (4):

Labcorp Genetics (formerly Invitae), Labcorp
Classification: Pathogenic for Hypertrophic cardiomyopathy. Last evaluated: 2023-01-28. Review status: criteria provided, single submitter. Criteria: Invitae Variant Classification Sherloc (09022015). Collection method: clinical testing. Allele origin: germline.
Comment: For these reasons, this variant has been classified as Pathogenic. ClinVar contains an entry for this variant (Variation ID: 619248). This premature translational stop signal has been observed in individual(s) with hypertrophic cardiomyopathy (PMID: 31513939). This variant is not present in population databases (gnomAD no frequency). This sequence change creates a premature translational stop signal (p.Ala105Profs*54) in the MYBPC3 gene. It is expected to result in an absent or disrupted protein product. Loss-of-function variants in MYBPC3 are known to be pathogenic (PMID: 19574547).

Center for Human Genetics, University of Leuven
Classification: Pathogenic for Hypertrophic cardiomyopathy. Last evaluated: 2018-10-31. Review status: criteria provided, single submitter. Criteria: ACMG Guidelines, 2015. Collection method: clinical testing. Allele origin: germline. Affected: yes.

Clinical Genetics DNA and cytogenetics Diagnostics Lab, Erasmus MC, Erasmus Medical Center
Classification: Pathogenic. Review status: no assertion criteria provided. Collection method: clinical testing. Allele origin: germline. Affected: yes. Study: VKGL Data-share Consensus. Not counted in ClinVar's aggregate classification.

Joint Genome Diagnostic Labs from Nijmegen and Maastricht, Radboudumc and MUMC+
Classification: Pathogenic. Review status: no assertion criteria provided. Collection method: clinical testing. Allele origin: germline. Affected: yes. Study: VKGL Data-share Consensus. Not counted in ClinVar's aggregate classification.

Literature cited by the submitters: PubMed 31513939 (cited by Labcorp Genetics (formerly Invitae), Labcorp); PubMed 19574547 (cited by Labcorp Genetics (formerly Invitae), Labcorp).